The following is an entry in ClinVar:

ClinVar aggregate classification (germline): Uncertain significance (1 of 4 stars; one submission).

Conditions:
TTC8-related disorder. Also called: TTC8-related condition.

Submission:

PreventionGenetics, part of Exact Sciences
Classification: Uncertain significance for TTC8-related condition. Last evaluated: 2022-08-31. Review status: criteria provided, single submitter. Criteria: ACMG Guidelines, 2015. Collection method: clinical testing. Allele origin: germline.
Comment: The TTC8 c.463T>C variant is predicted to result in the amino acid substitution p.Ser155Pro. To our knowledge, this variant has not been reported in the literature or in a large population database, indicating this variant is rare. At this time, the clinical significance of this variant is uncertain due to the absence of conclusive functional and genetic evidence.

NM_144596.4(TTC8):c.463T>C (p.Ser155Pro)

Gene: TTC8 (tetratricopeptide repeat domain 8; plus strand). Cytogenetic location: 14q31.3.
Variant type: single nucleotide variant.
Coding change: c.463T>C on transcript NM_144596.4 (MANE Select); coding-DNA position 463, T replaced by C.
Protein change: p.Ser155Pro; replaces serine 155 with proline.
Molecular consequence: missense variant. On other transcripts: 5 prime UTR variant (2), non-coding transcript variant (1).
Genome position (GRCh38, 1-based): chr14:88,841,170, T>C. VCF-style: chr14-88841170-T-C. GRCh37 (hg19) VCF-style: chr14-89307514-T-C.
Other names: c.433T>C, p.Ser145Pro (NM_001288781.1, NM_001366535.2, NM_001366536.2 and 2 more transcripts); c.-130T>C (NM_001288782.1); c.-225T>C (NM_001288783.1); short protein forms S145P, S155P.
Identifiers: ClinVar variation 2636552 (VCV002636552.1), dbSNP rs2546169602, ClinGen allele CA390574946.